The following is an entry in ClinVar:

ClinVar aggregate classification (germline): Uncertain significance. Review status: criteria provided, multiple submitters, no conflicts (2 of 4 stars). 2 submissions from 2 submitters: Uncertain significance (2). Last evaluated 2022-08-23.

Conditions:
Neuronopathy, distal hereditary motor, type 7B. Also called: HMN VIIB; NEURONOPATHY, DISTAL HEREDITARY MOTOR, AUTOSOMAL DOMINANT 14; NEURONOPATHY, DISTAL HEREDITARY MOTOR, HARDING TYPE VIIB; NEUROPATHY, DISTAL HEREDITARY MOTOR, HARDING TYPE VIIB; NEUROPATHY, DISTAL HEREDITARY MOTOR, WITH VOCAL CORD PARALYSIS, HARDING TYPE VIIB; LOWER MOTOR NEURON DISEASE, DYNACTIN TYPE. Identifiers: Orphanet 139589, MedGen C1843315, MONDO:0011879, OMIM 607641.
Perry syndrome. Also called: PARKINSONISM WITH ALVEOLAR HYPOVENTILATION AND MENTAL DEPRESSION. Identifiers: Orphanet 178509, MedGen C1868594, MONDO:0008201, OMIM 168605.
Amyotrophic lateral sclerosis type 1 (ALS1). Also called: AMYOTROPHIC LATERAL SCLEROSIS 1, FAMILIAL. Identifiers: Orphanet 803, MedGen C1862939, MONDO:0007103, OMIM 105400.

Allele frequency attached by ClinVar (database versions not stated): gnomAD 0.00001; gnomAD exomes 0.00001 and 0.00003; ExAC 0.00002; TOPMed 0.00002.
gnomAD v4.1: 10 of 1,613,918 alleles (0.00062%); highest among the groups gnomAD compares: Admixed American, 0.013%; no homozygotes.

Submissions (2):

Labcorp Genetics (formerly Invitae), Labcorp
Classification: Uncertain significance for Amyotrophic lateral sclerosis type 1; Neuronopathy, distal hereditary motor, type 7B; Perry syndrome. Last evaluated: 2022-08-23. Review status: criteria provided, single submitter. Criteria: Invitae Variant Classification Sherloc (09022015). Collection method: clinical testing. Allele origin: germline.
Comment: In summary, the available evidence is currently insufficient to determine the role of this variant in disease. Therefore, it has been classified as a Variant of Uncertain Significance. Algorithms developed to predict the effect of missense changes on protein structure and function (SIFT, PolyPhen-2, Align-GVGD) all suggest that this variant is likely to be disruptive. ClinVar contains an entry for this variant (Variation ID: 1439159). This variant has not been reported in the literature in individuals affected with DCTN1-related conditions. This variant is present in population databases (rs745458066, gnomAD 0.02%). This sequence change replaces glutamine, which is neutral and polar, with arginine, which is basic and polar, at codon 413 of the DCTN1 protein (p.Gln413Arg).

GeneDx
Classification: Uncertain significance. Last evaluated: 2022-05-15. Review status: criteria provided, single submitter. Criteria: GeneDx Variant Classification Process June 2021. Collection method: clinical testing. Allele origin: germline. Affected: yes.
Comment: In silico analysis supports that this missense variant does not alter protein structure/function; Has not been previously published as pathogenic or benign to our knowledge

NM_004082.5(DCTN1):c.1238A>G (p.Gln413Arg)

Gene: DCTN1 (dynactin subunit 1; minus strand). Cytogenetic location: 2p13.1.
Variant type: single nucleotide variant.
Coding change: c.1238A>G on transcript NM_004082.5 (MANE Select); coding-DNA position 1238, A replaced by G.
Protein change: p.Gln413Arg; replaces glutamine 413 with arginine.
Molecular consequence: missense variant. On other transcripts: non-coding transcript variant (1).
Genome position (GRCh38, 1-based): chr2:74,370,235, T>C on the plus strand (A>G on the coding strand, the complement: DCTN1 is on the minus strand). VCF-style: chr2-74370235-T-C. GRCh37 (hg19) VCF-style: chr2-74597362-T-C.
Other names: c.1178A>G, p.Gln393Arg (NM_001135040.3); c.836A>G, p.Gln279Arg (NM_001135041.3, NM_023019.4); c.1127A>G, p.Gln376Arg (NM_001190836.2); c.1217A>G, p.Gln406Arg (NM_001190837.2); c.1187A>G, p.Gln396Arg (NM_001378991.1); c.1169A>G, p.Gln390Arg (NM_001378992.1); short protein forms Q390R, Q393R, Q413R, Q396R, Q279R, Q376R, Q406R.
Identifiers: ClinVar variation 1439159 (VCV001439159.10), dbSNP rs745458066, ClinGen allele CA1722209.